The following is an entry in ClinVar:

ClinVar aggregate classification (germline): Likely benign (1 of 4 stars; one submission).

Conditions:
ABCB1-related disorder. Also called: ABCB1-related condition.

gnomAD v4.1: 369 of 1,614,126 alleles (0.023%); highest among the groups gnomAD compares: Admixed American, 0.018%; 1 homozygote.

Submission:

PreventionGenetics, part of Exact Sciences
Classification: Likely benign for ABCB1-related condition. Last evaluated: 2025-02-04. Review status: criteria provided, single submitter. Criteria: ACMG Guidelines, 2015. Collection method: clinical testing. Allele origin: germline.
Comment: This variant is classified as likely benign based on ACMG/AMP sequence variant interpretation guidelines (Richards et al. 2015 PMID: 25741868, with internal and published modifications).

NM_001348946.2(ABCB1):c.1985T>G (p.Leu662Arg)

Gene: ABCB1 (ATP binding cassette subfamily B member 1; minus strand). Cytogenetic location: 7q21.12.
Variant type: single nucleotide variant.
Coding change: c.1985T>G on transcript NM_001348946.2 (MANE Select); coding-DNA position 1985, T replaced by G.
Protein change: p.Leu662Arg; replaces leucine 662 with arginine.
Molecular consequence: missense variant.
Genome position (GRCh38, 1-based): chr7:87,544,902, A>C on the plus strand (T>G on the coding strand, the complement: ABCB1 is on the minus strand). VCF-style: chr7-87544902-A-C. GRCh37 (hg19) VCF-style: chr7-87174218-A-C.
Other names: c.1985T>G, p.Leu662Arg (NM_000927.5, NM_001348944.2); c.2195T>G, p.Leu732Arg (NM_001348945.2); short protein forms L662R, L732R.
Identifiers: ClinVar variation 4977826 (VCV004977826.1).